The following is an entry in ClinVar:

ClinVar aggregate classification (germline): Uncertain significance (1 of 4 stars; one submission).

Conditions:
Cornelia de Lange syndrome 1 (CDLS1). Also called: NIPBL-Related Cornelia de Lange Syndrome; TYPUS DEGENERATIVUS AMSTELODAMENSIS; Brachmann de Lange syndrome. Identifiers: Orphanet 199, MedGen C4551851, MONDO:0007387, OMIM 122470.

gnomAD v4.1: 2 of 1,614,128 alleles (0.00012%); highest among the groups gnomAD compares: Non-Finnish European, 0.00017%; no homozygotes.

Submission:

Clinical Genomics Laboratory, Washington University in St. Louis
Classification: Uncertain significance for Cornelia de Lange syndrome 1. Last evaluated: 2025-05-29. Review status: criteria provided, single submitter. Criteria: ACMG Guidelines, 2015. Collection method: clinical testing. Allele origin: germline.
Comment: The NIPBL c.8119G>A (p.Val2707Ile) variant, to our knowledge, has not been reported in the medical literature. This variant is absent from the general population (gnomAD v.2.1.1), indicating it is not a common variant. Computational predictors are uncertain as to the impact of this variant on NIPBL function. Due to limited information, and based on ACMG/AMP guidelines for variant interpretation (Richards S et al., PMID: 25741868), the clinical significance of this variant is uncertain at this time.

NM_133433.4(NIPBL):c.8119G>A (p.Val2707Ile)

Gene: NIPBL (NIPBL cohesin loading factor; plus strand). Cytogenetic location: 5p13.2.
Variant type: single nucleotide variant.
Coding change: c.8119G>A on transcript NM_133433.4 (MANE Select); coding-DNA position 8119, G replaced by A.
Protein change: p.Val2707Ile; replaces valine 2707 with isoleucine.
Molecular consequence: missense variant. On other transcripts: 3 prime UTR variant (2).
Genome position (GRCh38, 1-based): chr5:37,064,596, G>A. VCF-style: chr5-37064596-G-A. GRCh37 (hg19) VCF-style: chr5-37064698-G-A.
Other names: c.*63G>A (NM_001438586.1); c.*573G>A (NM_015384.5); short protein forms V2707I.
Identifiers: ClinVar variation 4279801 (VCV004279801.1).